The following is an entry in ClinVar:

NM_001042492.3(NF1):c.1052T>A (p.Val351Asp)

Gene: NF1 (neurofibromin 1; plus strand). Cytogenetic location: 17q11.2.
Variant type: single nucleotide variant.
Coding change: c.1052T>A on transcript NM_001042492.3 (MANE Select); coding-DNA position 1052, T replaced by A.
Protein change: p.Val351Asp; replaces valine 351 with aspartic acid.
Molecular consequence: missense variant.
Genome position (GRCh38, 1-based): chr17:31,200,585, T>A. VCF-style: chr17-31200585-T-A. GRCh37 (hg19) VCF-style: chr17-29527603-T-A.
Other names: c.1052T>A, p.Val351Asp (NM_000267.4, NM_001128147.3); short protein forms V351D.
Identifiers: ClinVar variation 237508 (VCV000237508.7), dbSNP rs878853861, ClinGen allele CA10583466.
Genomic context (GRCh38, chr17:31,200,585, plus strand): 5'-GTACTTACATCAATTGGGAAGATAACTCTGTCATTTTCCTACTTGTTCAGTCCATGGTGG[T>A]TGATCTTAAGGTAACATGCTTATTCTTTCTCTACTACAAACTTTAAGAAAATTAAATGAA-3'
Protein context (NP_001035957.1, residues 341-361): VIFLLVQSMV[Val351Asp]DLKNLLFNPS

ClinVar aggregate classification (germline): Uncertain significance (1 of 4 stars; one submission).

Conditions:
Neurofibromatosis, type 1 (NF1). Also called: VON RECKLINGHAUSEN DISEASE; NEUROFIBROMATOSIS, TYPE I, SOMATIC; Peripheral type neurofibromatosis; Neurofibromatosis, type I. Identifiers: Orphanet 636, MedGen C0027831, MONDO:0018975, OMIM 162200. Disease mechanism: loss of function.

Submission:

Labcorp Genetics (formerly Invitae), Labcorp
Classification: Uncertain significance for Neurofibromatosis, type 1. Last evaluated: 2019-11-08. Review status: criteria provided, single submitter. Criteria: Invitae Variant Classification Sherloc (09022015). Collection method: clinical testing. Allele origin: germline.
Comment: Algorithms developed to predict the effect of missense changes on protein structure and function (SIFT, PolyPhen-2, Align-GVGD) all suggest that this variant is likely to be tolerated, but these predictions have not been confirmed by published functional studies. This sequence change replaces valine with aspartic acid at codon 351 of the NF1 protein (p.Val351Asp). The valine residue is moderately conserved and there is a large physicochemical difference between valine and aspartic acid. This variant is not present in population databases (ExAC no frequency) and has not been reported in the literature in individuals with a NF1-related disease. In summary, this variant is a novel missense change that is not predicted to affect protein function. There is no indication that it causes disease, but the available evidence is currently insufficient to prove that conclusively. Therefore, it has been classified as a Variant of Uncertain Significance.